The following is an entry in ClinVar:

NM_000127.3(EXT1):c.1000_1001insA (p.Cys334Ter)

Gene: EXT1 (exostosin glycosyltransferase 1; minus strand). Cytogenetic location: 8q24.11.
Variant type: Insertion.
Coding change: c.1000_1001insA on transcript NM_000127.3 (MANE Select); coding-DNA positions 1000 to 1001, A inserted.
Protein change: p.Cys334Ter; replaces cysteine 334 with a stop codon.
Molecular consequence: nonsense.
Genome position: GRCh38 VCF-style: chr8-117837163-C-CT. GRCh37 (hg19) VCF-style: chr8-118849402-C-CT.
Other names: short protein forms C334*.
Identifiers: ClinVar variation 3350513 (VCV003350513.1).

ClinVar aggregate classification (germline): Pathogenic (0 of 4 stars; one submission).

Conditions:
EXT1-related disorder. Also called: EXT1-related condition.

Submission:

PreventionGenetics, part of Exact Sciences
Classification: Pathogenic for EXT1-related condition. Last evaluated: 2024-03-26. Review status: no assertion criteria provided. Collection method: clinical testing. Allele origin: germline.
Comment: The EXT1 c.1000_1001insA variant is predicted to result in premature protein termination (p.Cys334*). To our knowledge, this variant has not been reported in the literature or in a large population database, indicating this variant is rare. Nonsense variants in EXT1 are expected to be pathogenic. This variant is interpreted as pathogenic.